The following is an entry in ClinVar:

ClinVar aggregate classification (germline): Uncertain significance (1 of 4 stars; one submission).

Allele frequency attached by ClinVar (database versions not stated): gnomAD 0.00004.
gnomAD v4.1: 104 of 1,521,158 alleles (0.0068%); highest among the groups gnomAD compares: Middle Eastern, 0.018%; no homozygotes.

Submission:

Labcorp Genetics (formerly Invitae), Labcorp
Classification: Uncertain significance. Last evaluated: 2025-10-12. Review status: criteria provided, single submitter. Criteria: Invitae Variant Classification Sherloc (09022015). Collection method: clinical testing. Allele origin: germline.
Comment: This sequence change falls in intron 7 of the KMT2B gene. It does not directly change the encoded amino acid sequence of the KMT2B protein. It affects a nucleotide within the consensus splice site. The frequency data for this variant in the population databases is considered unreliable, as metrics indicate poor data quality at this position in the gnomAD database. This variant has not been reported in the literature in individuals affected with KMT2B-related conditions. ClinVar contains an entry for this variant (Variation ID: 1916291). Variants that disrupt the consensus splice site are a relatively common cause of aberrant splicing (PMID: 17576681, 9536098). Algorithms developed to predict the effect of sequence changes on RNA splicing suggest that this variant is not likely to affect RNA splicing. In summary, the available evidence is currently insufficient to determine the role of this variant in disease. Therefore, it has been classified as a Variant of Uncertain Significance.

Literature cited by the submitters: PubMed 17576681; PubMed 9536098.

NM_014727.3(KMT2B):c.3059-4G>A

Gene: KMT2B (lysine methyltransferase 2B; plus strand). Cytogenetic location: 19q13.12.
Variant type: single nucleotide variant.
Coding change: c.3059-4G>A on transcript NM_014727.3 (MANE Select); 4 bases into the intron before coding-DNA position 3059, G replaced by A.
Molecular consequence: intron variant.
Genome position (GRCh38, 1-based): chr19:35,723,728, G>A. VCF-style: chr19-35723728-G-A. GRCh37 (hg19) VCF-style: chr19-36214630-G-A.
Identifiers: ClinVar variation 1916291 (VCV001916291.5), dbSNP rs201534623, ClinGen allele CA9384648.